The following is an entry in ClinVar:

NM_019108.4(SMG9):c.726C>T (p.Ser242=)

Gene: SMG9 (SMG9 nonsense mediated mRNA decay factor; minus strand). Cytogenetic location: 19q13.31.
Variant type: single nucleotide variant.
Coding change: c.726C>T on transcript NM_019108.4 (MANE Select); coding-DNA position 726, C replaced by T.
Protein change: p.Ser242=; no amino-acid change (serine 242 retained).
Molecular consequence: synonymous variant.
Genome position (GRCh38, 1-based): chr19:43,740,194, G>A on the plus strand (C>T on the coding strand, the complement: SMG9 is on the minus strand). VCF-style: chr19-43740194-G-A. GRCh37 (hg19) VCF-style: chr19-44244346-G-A.
Identifiers: ClinVar variation 3388862 (VCV003388862.15).
Genomic context (GRCh38, chr19:43,740,194, plus strand): 5'-TTGGGTAATAAAGAAGTCGATGCCACTGGTCTGGTTGCCCCCTCGTTCCTTCATTTCAGC[G>A]CTCTGGGCCCGGAAAACATAAGTCCTGTGGAGAGGAGCAGGCAGGGGTGTGTGAGAGCTC-3'
Protein context (NP_061981.2, residues 232-252): DQRTYVFRAQ[Ser242=]AEMKERGGNQ

ClinVar aggregate classification (germline): Likely benign. Review status: criteria provided, multiple submitters, no conflicts (2 of 4 stars). 2 submissions from 2 submitters: Likely benign (2). Last evaluated 2026-05-01.

gnomAD v4.1: 654 of 1,613,920 alleles (0.041%); highest among the groups gnomAD compares: South Asian, 0.63%; 6 homozygotes.

Submissions (2):

CeGaT Center for Human Genetics Tuebingen
Classification: Likely benign. Last evaluated: 2026-05-01. Review status: criteria provided, single submitter. Criteria: CeGaT Center For Human Genetics Tuebingen Variant Classification Criteria Version 2. Collection method: clinical testing. Allele origin: germline. Affected: yes. Observed: 2 variant alleles.
Comment: SMG9: BP4, BP7

Blueprint Genetics
Classification: Likely benign. Last evaluated: 2024-11-21. Review status: criteria provided, single submitter. Criteria: ACMG Guidelines, 2015. Collection method: clinical testing. Allele origin: germline.